The following is an entry in ClinVar:

NM_015047.3(EMC1):c.1354G>A (p.Val452Met)

Genes: EMC1 (ER membrane protein complex subunit 1; minus strand), EMC1-AS1 (EMC1 antisense RNA 1; plus strand). Cytogenetic location: 1p36.13.
Variant type: single nucleotide variant.
Coding change: c.1354G>A on transcript NM_015047.3 (MANE Select); coding-DNA position 1354, G replaced by A.
Protein change: p.Val452Met; replaces valine 452 with methionine.
Molecular consequence: missense variant.
Genome position (GRCh38, 1-based): chr1:19,235,208, C>T on the plus strand (G>A on the coding strand, the complement: EMC1 is on the minus strand). VCF-style: chr1-19235208-C-T. GRCh37 (hg19) VCF-style: chr1-19561702-C-T.
Other names: c.1351G>A, p.Val451Met (NM_001271427.2, NM_001271428.2, NM_001375821.1); c.1288G>A, p.Val430Met (NM_001271429.2); c.1354G>A, p.Val452Met (NM_001375820.1); short protein forms V430M, V451M, V452M.
Identifiers: ClinVar variation 2838514 (VCV002838514.3), dbSNP rs759444198, ClinGen allele CA338764187.

ClinVar aggregate classification (germline): Uncertain significance (1 of 4 stars; one submission).

gnomAD v4.1: 1 of 1,613,912 alleles (0.000062%); no homozygotes.

Submission:

Labcorp Genetics (formerly Invitae), Labcorp
Classification: Uncertain significance. Last evaluated: 2023-02-17. Review status: criteria provided, single submitter. Criteria: Invitae Variant Classification Sherloc (09022015). Collection method: clinical testing. Allele origin: germline.
Comment: This sequence change replaces valine, which is neutral and non-polar, with methionine, which is neutral and non-polar, at codon 452 of the EMC1 protein (p.Val452Met). This variant is not present in population databases (gnomAD no frequency). In summary, the available evidence is currently insufficient to determine the role of this variant in disease. Therefore, it has been classified as a Variant of Uncertain Significance. Advanced modeling of protein sequence and biophysical properties (such as structural, functional, and spatial information, amino acid conservation, physicochemical variation, residue mobility, and thermodynamic stability) performed at Invitae indicates that this missense variant is expected to disrupt EMC1 protein function. This variant has not been reported in the literature in individuals affected with EMC1-related conditions.